The following is an entry in ClinVar:

ClinVar aggregate classification (germline): Uncertain significance (1 of 4 stars; one submission).

Conditions:
Gorlin syndrome. Also called: Basal cell nevus syndrome; Nevoid Basal Cell Carcinoma Syndrome. Identifiers: Orphanet 377, MedGen C0004779, MONDO:0007187.

Submission:

Labcorp Genetics (formerly Invitae), Labcorp
Classification: Uncertain significance for Gorlin syndrome. Last evaluated: 2023-07-07. Review status: criteria provided, single submitter. Criteria: Invitae Variant Classification Sherloc (09022015). Collection method: clinical testing. Allele origin: germline.
Comment: This variant has not been reported in the literature in individuals affected with PTCH1-related conditions. This variant is not present in population databases (gnomAD no frequency). Advanced modeling of protein sequence and biophysical properties (such as structural, functional, and spatial information, amino acid conservation, physicochemical variation, residue mobility, and thermodynamic stability) performed at Invitae indicates that this missense variant is not expected to disrupt PTCH1 protein function. This sequence change replaces valine, which is neutral and non-polar, with leucine, which is neutral and non-polar, at codon 674 of the PTCH1 protein (p.Val674Leu). In summary, the available evidence is currently insufficient to determine the role of this variant in disease. Therefore, it has been classified as a Variant of Uncertain Significance.

NM_000264.5(PTCH1):c.2020G>C (p.Val674Leu)

Genes: PTCH1 (patched 1; minus strand), LOC100507346 (uncharacterized LOC100507346; plus strand). Cytogenetic location: 9q22.32.
Variant type: single nucleotide variant.
Coding change: c.2020G>C on transcript NM_000264.5 (MANE Select); coding-DNA position 2020, G replaced by C.
Protein change: p.Val674Leu; replaces valine 674 with leucine.
Molecular consequence: missense variant. On other transcripts: non-coding transcript variant (2).
Genome position (GRCh38, 1-based): chr9:95,468,981, C>G on the plus strand (G>C on the coding strand, the complement: PTCH1 is on the minus strand). VCF-style: chr9-95468981-C-G. GRCh37 (hg19) VCF-style: chr9-98231263-C-G.
Other names: c.1822G>C, p.Val608Leu (NM_001083602.3); c.2017G>C, p.Val673Leu (NM_001083603.3); c.1567G>C, p.Val523Leu (NM_001083604.3, NM_001083605.3, NM_001083606.3 and 1 more transcripts); c.1864G>C, p.Val622Leu (NM_001354918.2); short protein forms V523L, V608L, V622L, V674L, V673L.
Identifiers: ClinVar variation 2915256 (VCV002915256.3), dbSNP rs1060502291, ClinGen allele CA374115826.
Genomic context (GRCh38, chr9:95,468,981, plus strand): 5'-GTGTCACGGTGACGGGCTGCACAGAGATCTCGGAGCGCGGCTCAGCGGTGGTGTAGTACA[C>G]GTGCGTGTGGGGGTCGTACTCCGTGCGGAGCTGGACAGTGGACTGCATGGTAATCTGCGT-3'
Protein context (NP_000255.2, residues 664-684): LRTEYDPHTH[Val674Leu]YYTTAEPRSE